The following is an entry in ClinVar:

NM_004006.3(DMD):c.5447T>C (p.Met1816Thr)

Gene: DMD (dystrophin; minus strand). Cytogenetic location: Xp21.1.
Variant type: single nucleotide variant.
Coding change: c.5447T>C on transcript NM_004006.3 (MANE Select); coding-DNA position 5447, T replaced by C.
Protein change: p.Met1816Thr; replaces methionine 1816 with threonine.
Molecular consequence: missense variant.
Genome position (GRCh38, 1-based): chrX:32,348,407, A>G on the plus strand (T>C on the coding strand, the complement: DMD is on the minus strand). VCF-style: chrX-32348407-A-G. GRCh37 (hg19) VCF-style: chrX-32366524-A-G.
Other names: c.5423T>C, p.Met1808Thr (NM_000109.4); c.5435T>C, p.Met1812Thr (NM_004009.3); c.5078T>C, p.Met1693Thr (NM_004010.3); c.1424T>C, p.Met475Thr (NM_004011.4); c.1415T>C, p.Met472Thr (NM_004012.4); short protein forms M1693T, M1808T, M1816T, M1812T, M472T, M475T.
Identifiers: ClinVar variation 1525663 (VCV001525663.10), dbSNP rs754474379, ClinGen allele CA10378695.

ClinVar aggregate classification (germline): Conflicting classifications of pathogenicity. Review status: criteria provided, conflicting classifications (1 of 4 stars). 3 submissions from 3 submitters: Uncertain significance (2); Likely benign (1). Last evaluated 2026-03-01.

Conditions:
Duchenne muscular dystrophy (DMD). Also called: Duchenne Muscular Dystrophy (DMD); MUSCULAR DYSTROPHY, PSEUDOHYPERTROPHIC PROGRESSIVE, DUCHENNE TYPE. Identifiers: Orphanet 98896, MedGen C0013264, MONDO:0010679, OMIM 310200.

Allele frequency attached by ClinVar (database versions not stated): gnomAD 0.00001; gnomAD exomes 0.00001; ExAC 0.00002; 1000 Genomes Project 30x 0.00021; 1000 Genomes Project 0.00026.

Submissions (3):

CeGaT Center for Human Genetics Tuebingen
Classification: Likely benign. Last evaluated: 2026-03-01. Review status: criteria provided, single submitter. Criteria: CeGaT Center For Human Genetics Tuebingen Variant Classification Criteria Version 2. Collection method: clinical testing. Allele origin: germline. Affected: yes. Observed: 1 variant allele.
Comment: DMD: BS2

Labcorp Genetics (formerly Invitae), Labcorp
Classification: Uncertain significance for Duchenne muscular dystrophy. Last evaluated: 2025-07-03. Review status: criteria provided, single submitter. Criteria: Invitae Variant Classification Sherloc (09022015). Collection method: clinical testing. Allele origin: germline.
Comment: This sequence change replaces methionine, which is neutral and non-polar, with threonine, which is neutral and polar, at codon 1816 of the DMD protein (p.Met1816Thr). The frequency data for this variant in the population databases is considered unreliable, as metrics indicate poor data quality at this position in the gnomAD database. This variant has not been reported in the literature in individuals affected with DMD-related conditions. ClinVar contains an entry for this variant (Variation ID: 1525663). An algorithm developed to predict the effect of missense changes on protein structure and function (PolyPhen-2) suggests that this variant is likely to be tolerated. In summary, the available evidence is currently insufficient to determine the role of this variant in disease. Therefore, it has been classified as a Variant of Uncertain Significance.

Blueprint Genetics
Classification: Uncertain significance. Last evaluated: 2018-03-22. Review status: criteria provided, single submitter. Criteria: ACMG Guidelines, 2015. Collection method: clinical testing. Allele origin: germline.